The following is an entry in ClinVar:

NM_017763.6(RNF43):c.1044T>C (p.His348=)

Gene: RNF43 (ring finger protein 43; minus strand). Cytogenetic location: 17q22.
Variant type: single nucleotide variant.
Coding change: c.1044T>C on transcript NM_017763.6 (MANE Select); coding-DNA position 1044, T replaced by C.
Protein change: p.His348=; no amino-acid change (histidine 348 retained).
Molecular consequence: synonymous variant.
Genome position (GRCh38, 1-based): chr17:58,358,732, A>G on the plus strand (T>C on the coding strand, the complement: RNF43 is on the minus strand). VCF-style: chr17-58358732-A-G. GRCh37 (hg19) VCF-style: chr17-56436093-A-G.
Other names: c.1044T>C (NM_017763.4); c.1044T>C, p.His348= (NM_001305544.3); c.663T>C, p.His221= (NM_001305545.2).
Identifiers: ClinVar variation 1590530 (VCV001590530.12), dbSNP rs1226935560, ClinGen allele CA501054052.
Genomic context (GRCh38, chr17:58,358,732, plus strand): 5'-CCGAGCCACTGCACTCCGGGAAGGGCCCAACAGGTAGGCAGCAGGGAGGTGGTAGTGGGC[A>G]TGGCCGGGATGCTGGCGAATGAGGTGGAGTCTTCGACCTGGTTCTTGGTAAGATCGAGAG-3'
Protein context (NP_060233.3, residues 338-358): RLHLIRQHPG[His348=]AHYHLPAAYL

ClinVar aggregate classification (germline): Benign/Likely benign. Review status: criteria provided, multiple submitters, no conflicts (2 of 4 stars). 4 submissions from 4 submitters: Benign (1); Likely benign (2). 1 of the submissions does not count toward it. Last evaluated 2026-07-01.

Conditions:
Sessile serrated polyposis cancer syndrome (SSPCS). Identifiers: Orphanet 157798, MedGen C4310714, MONDO:0014919, OMIM 617108.
RNF43-related disorder. Also called: RNF43-related condition.

Allele frequency attached by ClinVar (database versions not stated): gnomAD exomes 0.00001 and 0.00002; TOPMed 0.00001; gnomAD 0.00001.
gnomAD v4.1: 35 of 1,558,906 alleles (0.0022%); highest among the groups gnomAD compares: Non-Finnish European, 0.0028%; no homozygotes.

Submissions (4):

Myriad Genetics, Inc.
Classification: Benign for Sessile serrated polyposis cancer syndrome. Last evaluated: 2026-07-01. Review status: criteria provided, single submitter. Criteria: Myriad Autosomal Dominant, Autosomal Recessive and X-Linked Classification Criteria (2023). Collection method: clinical testing. Allele origin: unknown.
Comment: This variant is considered benign. This variant is a silent/synonymous amino acid change and it is not expected to impact splicing.

Labcorp Genetics (formerly Invitae), Labcorp
Classification: Likely benign. Last evaluated: 2025-09-10. Review status: criteria provided, single submitter. Criteria: Invitae Variant Classification Sherloc (09022015). Collection method: clinical testing. Allele origin: germline.

Ambry Genetics
Classification: Likely benign. Last evaluated: 2024-11-21. Review status: criteria provided, single submitter. Criteria: Ambry Variant Classification Scheme 2023. Collection method: clinical testing. Allele origin: germline.

PreventionGenetics, part of Exact Sciences
Classification: Likely benign for RNF43-related condition. Last evaluated: 2019-05-02. Review status: no assertion criteria provided. Collection method: clinical testing. Allele origin: germline. Not counted in ClinVar's aggregate classification.
Comment: This variant is classified as likely benign based on ACMG/AMP sequence variant interpretation guidelines (Richards et al. 2015 PMID: 25741868, with internal and published modifications).